The following is an entry in ClinVar:

ClinVar aggregate classification (germline): Uncertain significance. Review status: criteria provided, multiple submitters, no conflicts (2 of 4 stars). 2 submissions from 2 submitters: Uncertain significance (2). Last evaluated 2025-07-09.

Conditions:
Epidermodysplasia verruciformis. Identifiers: Orphanet 302, MedGen C0014522, MONDO:0009176.
Inborn genetic diseases. Identifiers: MedGen C0950123, MeSH D030342.

Allele frequency attached by ClinVar (database versions not stated): TOPMed below 0.00001; gnomAD exomes 0.00001; ExAC 0.00004.
gnomAD v4.1: 11 of 1,611,554 alleles (0.00068%); highest among the groups gnomAD compares: South Asian, 0.0088%; no homozygotes.

Submissions (2):

Labcorp Genetics (formerly Invitae), Labcorp
Classification: Uncertain significance for Epidermodysplasia verruciformis. Last evaluated: 2025-07-09. Review status: criteria provided, single submitter. Criteria: Invitae Variant Classification Sherloc (09022015). Collection method: clinical testing. Allele origin: germline.
Comment: This sequence change replaces valine, which is neutral and non-polar, with isoleucine, which is neutral and non-polar, at codon 454 of the TMC6 protein (p.Val454Ile). This variant is present in population databases (rs772827765, gnomAD 0.02%). This variant has not been reported in the literature in individuals affected with TMC6-related conditions. ClinVar contains an entry for this variant (Variation ID: 2158280). An algorithm developed to predict the effect of missense changes on protein structure and function (PolyPhen-2) suggests that this variant is likely to be tolerated. In summary, the available evidence is currently insufficient to determine the role of this variant in disease. Therefore, it has been classified as a Variant of Uncertain Significance.

Ambry Genetics
Classification: Uncertain significance for Inborn genetic diseases. Last evaluated: 2021-10-29. Review status: criteria provided, single submitter. Criteria: Ambry Variant Classification Scheme 2023. Collection method: clinical testing. Allele origin: germline.

NM_001127198.5(TMC6):c.1360G>A (p.Val454Ile)

Gene: TMC6 (transmembrane channel like 6; minus strand). Cytogenetic location: 17q25.3.
Variant type: single nucleotide variant.
Coding change: c.1360G>A on transcript NM_001127198.5 (MANE Select); coding-DNA position 1360, G replaced by A.
Protein change: p.Val454Ile; replaces valine 454 with isoleucine.
Molecular consequence: missense variant. On other transcripts: non-coding transcript variant (4).
Genome position (GRCh38, 1-based): chr17:78,121,579, C>T on the plus strand (G>A on the coding strand, the complement: TMC6 is on the minus strand). VCF-style: chr17-78121579-C-T. GRCh37 (hg19) VCF-style: chr17-76117660-C-T.
Other names: c.1360G>A, p.Val454Ile (NM_001321185.1, NM_001374593.1, NM_001374594.1 and 4 more transcripts); short protein forms V454I.
Identifiers: ClinVar variation 2158280 (VCV002158280.5), dbSNP rs772827765, ClinGen allele CA8795776.